The following is an entry in ClinVar:

ClinVar aggregate classification (germline): Conflicting classifications of pathogenicity. Review status: criteria provided, conflicting classifications (1 of 4 stars). 2 submissions from 2 submitters: Uncertain significance (1); Likely benign (1). Last evaluated 2025-10-23.

Allele frequency attached by ClinVar (database versions not stated): gnomAD 0.00004; TOPMed 0.00004; ExAC 0.00007; ESP Exome Variant Server 0.00015.

Submissions (2):

Ambry Genetics
Classification: Uncertain significance. Last evaluated: 2025-10-23. Review status: criteria provided, single submitter. Criteria: Ambry Variant Classification Scheme 2023. Collection method: clinical testing. Allele origin: germline.

CeGaT Center for Human Genetics Tuebingen
Classification: Likely benign. Last evaluated: 2025-02-01. Review status: criteria provided, single submitter. Criteria: CeGaT Center For Human Genetics Tuebingen Variant Classification Criteria Version 2. Collection method: clinical testing. Allele origin: germline. Affected: yes. Observed: 1 variant allele.
Comment: SIN3B: BS2

NM_001297595.2(SIN3B):c.1562C>T (p.Pro521Leu)

Gene: SIN3B (SIN3 transcription regulator family member B; plus strand). Cytogenetic location: 19p13.11.
Variant type: single nucleotide variant.
Coding change: c.1562C>T on transcript NM_001297595.2 (MANE Select); coding-DNA position 1562, C replaced by T.
Protein change: p.Pro521Leu; replaces proline 521 with leucine.
Molecular consequence: missense variant.
Genome position (GRCh38, 1-based): chr19:16,865,588, C>T. VCF-style: chr19-16865588-C-T. GRCh37 (hg19) VCF-style: chr19-16976399-C-T.
Other names: c.332C>T, p.Pro111Leu (NM_001297597.2); c.1658C>T, p.Pro553Leu (NM_015260.4); short protein forms P521L, P111L, P553L.
Identifiers: ClinVar variation 2595827 (VCV002595827.15), dbSNP rs201411175, ClinGen allele CA9283225.